The following is an entry in ClinVar:

NM_001366385.1(CARD14):c.2257A>G (p.Thr753Ala)

Genes: CARD14 (caspase recruitment domain family member 14; plus strand), SGSH (N-sulfoglucosamine sulfohydrolase; minus strand). Cytogenetic location: 17q25.3.
Variant type: single nucleotide variant.
Coding change: c.2257A>G on transcript NM_001366385.1 (MANE Select); coding-DNA position 2257, A replaced by G.
Protein change: p.Thr753Ala; replaces threonine 753 with alanine.
Molecular consequence: missense variant. On other transcripts: non-coding transcript variant (1).
Genome position (GRCh38, 1-based): chr17:80,203,859, A>G. VCF-style: chr17-80203859-A-G. GRCh37 (hg19) VCF-style: chr17-78177658-A-G.
Other names: c.2257A>G (NM_024110.3); c.2257A>G, p.Thr753Ala (NM_024110.4); short protein forms T753A.
Identifiers: ClinVar variation 493221 (VCV000493221.49), dbSNP rs528408567, ClinGen allele CA8817241.

ClinVar aggregate classification (germline): Conflicting classifications of pathogenicity. Review status: criteria provided, conflicting classifications (1 of 4 stars). 3 submissions from 3 submitters: Uncertain significance (1); Likely benign (2). Last evaluated 2023-05-24.

Conditions:
Inborn genetic diseases. Identifiers: MedGen C0950123, MeSH D030342.
Psoriasis 2. Identifiers: MedGen C1864497, MONDO:0011269, OMIM 602723.
Pityriasis rubra pilaris (PRP). Also called: Pityriasis rubra pilaris--familial type. Identifiers: Orphanet 2897, MedGen C0032027, MONDO:0100017, OMIM 173200, MONDO:0008251.

Allele frequency attached by ClinVar (database versions not stated): gnomAD 0.00001; ExAC 0.00002.
gnomAD v4.1: 27 of 1,595,582 alleles (0.0017%); highest among the groups gnomAD compares: Non-Finnish European, 0.0023%; no homozygotes.

Submissions (3):

Labcorp Genetics (formerly Invitae), Labcorp
Classification: Uncertain significance for Pityriasis rubra pilaris; Psoriasis 2. Last evaluated: 2023-05-24. Review status: criteria provided, single submitter. Criteria: Invitae Variant Classification Sherloc (09022015). Collection method: clinical testing. Allele origin: germline.
Comment: In summary, the available evidence is currently insufficient to determine the role of this variant in disease. Therefore, it has been classified as a Variant of Uncertain Significance. Advanced modeling of protein sequence and biophysical properties (such as structural, functional, and spatial information, amino acid conservation, physicochemical variation, residue mobility, and thermodynamic stability) performed at Invitae indicates that this missense variant is not expected to disrupt CARD14 protein function. ClinVar contains an entry for this variant (Variation ID: 493221). This variant has not been reported in the literature in individuals affected with CARD14-related conditions. The frequency data for this variant in the population databases is considered unreliable, as metrics indicate poor data quality at this position in the gnomAD database. This sequence change replaces threonine, which is neutral and polar, with alanine, which is neutral and non-polar, at codon 753 of the CARD14 protein (p.Thr753Ala).

Ambry Genetics
Classification: Likely benign for Inborn genetic diseases. Last evaluated: 2022-06-28. Review status: criteria provided, single submitter. Criteria: Ambry Variant Classification Scheme 2023. Collection method: clinical testing. Allele origin: germline.

CeGaT Center for Human Genetics Tuebingen
Classification: Likely benign. Last evaluated: 2017-07-01. Review status: criteria provided, single submitter. Criteria: CeGaT Center For Human Genetics Tuebingen Variant Classification Criteria Version 2. Collection method: clinical testing. Allele origin: germline. Affected: yes. Observed: 1 variant allele.